The following is an entry in ClinVar:

ClinVar aggregate classification (germline): Uncertain significance (1 of 4 stars; one submission).

Conditions:
Developmental and epileptic encephalopathy, 54. Also called: HNRNPU-Related Neurodevelopmental Disorder; Epileptic encephalopathy, early infantile, 54. Identifiers: MedGen C4479319, MONDO:0033363, OMIM 617391.

Submission:

Labcorp Genetics (formerly Invitae), Labcorp
Classification: Uncertain significance for Developmental and epileptic encephalopathy, 54. Last evaluated: 2022-05-28. Review status: criteria provided, single submitter. Criteria: Invitae Variant Classification Sherloc (09022015). Collection method: clinical testing. Allele origin: germline.
Comment: This sequence change replaces serine, which is neutral and polar, with glycine, which is neutral and non-polar, at codon 746 of the HNRNPU protein (p.Ser746Gly). This variant is not present in population databases (gnomAD no frequency). This variant has not been reported in the literature in individuals affected with HNRNPU-related conditions. Algorithms developed to predict the effect of missense changes on protein structure and function are either unavailable or do not agree on the potential impact of this missense change (SIFT: "Tolerated"; PolyPhen-2: "Not Available"; Align-GVGD: "Class C0"). In summary, the available evidence is currently insufficient to determine the role of this variant in disease. Therefore, it has been classified as a Variant of Uncertain Significance.

NM_031844.3(HNRNPU):c.2236A>G (p.Ser746Gly)

Gene: HNRNPU (heterogeneous nuclear ribonucleoprotein U; minus strand). Cytogenetic location: 1q44.
Variant type: single nucleotide variant.
Coding change: c.2236A>G on transcript NM_031844.3 (MANE Select); coding-DNA position 2236, A replaced by G.
Protein change: p.Ser746Gly; replaces serine 746 with glycine.
Molecular consequence: missense variant.
Genome position (GRCh38, 1-based): chr1:244,855,540, T>C on the plus strand (A>G on the coding strand, the complement: HNRNPU is on the minus strand). VCF-style: chr1-244855540-T-C. GRCh37 (hg19) VCF-style: chr1-245018842-T-C.
Other names: c.2179A>G, p.Ser727Gly (NM_004501.3); short protein forms S727G, S746G.
Identifiers: ClinVar variation 1999827 (VCV001999827.4), dbSNP rs2527502731, ClinGen allele CA345487048.